The following is an entry in ClinVar:

NM_001321075.3(DLG4):c.1120C>T (p.Gln374Ter)

Genes: DLG4 (discs large MAGUK scaffold protein 4; minus strand), LOC126862479 (MED14-independent group 3 enhancer GRCh37_chr17:7099412-7100611; plus strand). Cytogenetic location: 17p13.1.
Variant type: single nucleotide variant.
Coding change: c.1120C>T on transcript NM_001321075.3 (MANE Select); coding-DNA position 1120, C replaced by T.
Protein change: p.Gln374Ter; replaces glutamine 374 with a stop codon.
Molecular consequence: nonsense. On other transcripts: non-coding transcript variant (1).
Genome position (GRCh38, 1-based): chr17:7,196,539, G>A on the plus strand (C>T on the coding strand, the complement: DLG4 is on the minus strand). VCF-style: chr17-7196539-G-A. GRCh37 (hg19) VCF-style: chr17-7099858-G-A.
Other names: c.1111C>T, p.Gln371Ter (NM_001128827.4); c.1240C>T, p.Gln414Ter (NM_001321074.1); c.940C>T, p.Gln314Ter (NM_001321076.3, NM_001321077.3); c.1249C>T, p.Gln417Ter (NM_001365.5); c.1039C>T, p.Gln347Ter (NM_001369566.3); short protein forms Q417*, Q314*, Q374*, Q371*, Q414*, Q347*.
Identifiers: ClinVar variation 620405 (VCV000620405.2), dbSNP rs1567532079, ClinGen allele CA397716350.

ClinVar aggregate classification (germline): Pathogenic (1 of 4 stars; one submission).

Submission:

GeneDx
Classification: Pathogenic. Last evaluated: 2024-05-28. Review status: criteria provided, single submitter. Criteria: GeneDx Variant Classification Process June 2021. Collection method: clinical testing. Allele origin: germline. Affected: yes.
Comment: Nonsense variant predicted to result in protein truncation or nonsense mediated decay in a gene for which loss of function is a known mechanism of disease; Not observed at significant frequency in large population cohorts (gnomAD); Has not been previously published as pathogenic or benign to our knowledge